The following is an entry in ClinVar:

ClinVar aggregate classification (germline): Likely benign. Review status: criteria provided, multiple submitters, no conflicts (2 of 4 stars). 2 submissions from 2 submitters: Likely benign (2). Last evaluated 2019-07-11.

Conditions:
Inborn genetic diseases. Identifiers: MedGen C0950123, MeSH D030342.

gnomAD v4.1: 1 of 1,614,004 alleles (0.000062%); highest among the groups gnomAD compares: African/African-American, 0.0013%; no homozygotes.

Submissions (2):

Ambry Genetics
Classification: Likely benign for Inborn genetic diseases. Last evaluated: 2019-07-11. Review status: criteria provided, single submitter. Criteria: Ambry Variant Classification Scheme 2023. Collection method: clinical testing. Allele origin: germline.

GeneDx
Classification: Likely benign. Last evaluated: 2017-01-24. Review status: criteria provided, single submitter. Criteria: GeneDx Variant Classification (06012015). Collection method: clinical testing. Allele origin: germline. Affected: yes.
Comment: This variant is considered likely benign or benign based on one or more of the following criteria: it is a conservative change, it occurs at a poorly conserved position in the protein, it is predicted to be benign by multiple in silico algorithms, and/or has population frequency not consistent with disease.

NM_001605.3(AARS1):c.37C>A (p.Arg13=)

Gene: AARS1 (alanyl-tRNA synthetase 1; minus strand). Cytogenetic location: 16q22.1.
Variant type: single nucleotide variant.
Coding change: c.37C>A on transcript NM_001605.3 (MANE Select); coding-DNA position 37, C replaced by A.
Protein change: p.Arg13=; no amino-acid change (arginine 13 retained).
Molecular consequence: synonymous variant.
Genome position (GRCh38, 1-based): chr16:70,282,727, G>T on the plus strand (C>A on the coding strand, the complement: AARS1 is on the minus strand). VCF-style: chr16-70282727-G-T. GRCh37 (hg19) VCF-style: chr16-70316630-G-T.
Identifiers: ClinVar variation 517695 (VCV000517695.3), dbSNP rs761931081, ClinGen allele CA496215162.
Genomic context (GRCh38, chr16:70,282,727, plus strand): 5'-GGATGGTGGCAGACGAGTGAACATACGTATGCTCGTTCCTCTTGAAGAAATCTATAAATC[G>T]CTGCCGGATTTCACTTGCTGTTAGAGTAGAGTCCATCTTGAAAGTCACCCCAAAGAACTA-3'
Protein context (NP_001596.2, residues 3-23): STLTASEIRQ[Arg13=]FIDFFKRNEH